The following is an entry in ClinVar:

NM_000368.5(TSC1):c.327A>C (p.Gln109His)

Gene: TSC1 (TSC complex subunit 1; minus strand). Cytogenetic location: 9q34.13.
Variant type: single nucleotide variant.
Coding change: c.327A>C on transcript NM_000368.5 (MANE Select); coding-DNA position 327, A replaced by C.
Protein change: p.Gln109His; replaces glutamine 109 with histidine.
Molecular consequence: missense variant. On other transcripts: 5 prime UTR variant (18), non-coding transcript variant (5), intron variant (5).
Genome position (GRCh38, 1-based): chr9:132,925,623, T>G on the plus strand (A>C on the coding strand, the complement: TSC1 is on the minus strand). VCF-style: chr9-132925623-T-G. GRCh37 (hg19) VCF-style: chr9-135801010-T-G.
Other names: c.327A>C, p.Gln109His (NM_001162426.2, NM_001406592.1, NM_001406593.1 and 16 more transcripts); c.-37A>C (NM_001362177.2, NM_001406617.1, NM_001406618.1 and 5 more transcripts); c.-129A>C (NM_001406614.1, NM_001406616.1, NM_001406624.1); c.-162A>C (NM_001406615.1, NM_001406623.1); c.-551A>C (NM_001406626.1, NM_001406627.1, NM_001406628.1); c.-693A>C (NM_001406629.1); c.-767A>C (NM_001406630.1); c.210+1578A>C (NM_001406613.1, NM_001406612.1, NM_001406610.1 and 2 more transcripts); short protein forms Q109H.
Identifiers: ClinVar variation 3462493 (VCV003462493.1).

ClinVar aggregate classification (germline): Uncertain significance (1 of 4 stars; one submission).

Conditions:
Hereditary cancer-predisposing syndrome. Also called: Tumor predisposition; Neoplastic Syndromes, Hereditary; Hereditary neoplastic syndrome; Hereditary Cancer Syndrome. Identifiers: Orphanet 140162, MedGen C0027672, MeSH D009386, MONDO:0015356.

Submission:

Ambry Genetics
Classification: Uncertain significance for Hereditary cancer-predisposing syndrome. Last evaluated: 2024-10-29. Review status: criteria provided, single submitter. Criteria: Ambry Variant Classification Scheme 2023. Collection method: clinical testing. Allele origin: germline.
Comment: The p.Q109H variant (also known as c.327A>C), located in coding exon 3 of the TSC1 gene, results from an A to C substitution at nucleotide position 327. The glutamine at codon 109 is replaced by histidine, an amino acid with highly similar properties. This amino acid position is conserved. In addition, the in silico prediction for this alteration is inconclusive. Based on the available evidence, the clinical significance of this variant remains unclear.